The following is an entry in ClinVar:

NM_001114134.2(EPB42):c.10+79G>A

Gene: EPB42 (erythrocyte membrane protein band 4.2; minus strand). Cytogenetic location: 15q15.2.
Variant type: single nucleotide variant.
Coding change: c.10+79G>A on transcript NM_001114134.2 (MANE Select); 79 bases into the intron after coding-DNA position 10, G replaced by A.
Molecular consequence: intron variant. On other transcripts: missense variant (1).
Genome position (GRCh38, 1-based): chr15:43,220,737, C>T on the plus strand (G>A on the coding strand, the complement: EPB42 is on the minus strand). VCF-style: chr15-43220737-C-T. GRCh37 (hg19) VCF-style: chr15-43512935-C-T.
Other names: p.Ser30Asn; c.89G>A, p.Ser30Asn (NM_000119.3); short protein forms S30N.
Identifiers: ClinVar variation 255156 (VCV000255156.49), dbSNP rs149249456, ClinGen allele CA7520721.

ClinVar aggregate classification (germline): Conflicting classifications of pathogenicity. Review status: criteria provided, conflicting classifications (1 of 4 stars). 7 submissions from 7 submitters: Uncertain significance (1); Benign (1); Likely benign (5). Last evaluated 2025-11-08.

Conditions:
Hereditary spherocytosis type 5. Also called: EPB42-Related Spherocytosis; EPB42-Related Hereditary Spherocytosis. Identifiers: Orphanet 822, MedGen C2675192, MONDO:0012985, OMIM 612690.

Allele frequency attached by ClinVar (database versions not stated): TOPMed 0.00048; ESP Exome Variant Server 0.00069; 1000 Genomes Project 30x 0.00078; 1000 Genomes Project 0.00100; gnomAD exomes 0.00107 and 0.00159; gnomAD 0.00119; ExAC 0.00135.

Submissions (7):

Labcorp Genetics (formerly Invitae), Labcorp
Classification: Benign. Last evaluated: 2025-11-08. Review status: criteria provided, single submitter. Criteria: Invitae Variant Classification Sherloc (09022015). Collection method: clinical testing. Allele origin: germline.

Mayo Clinic Laboratories, Mayo Clinic
Classification: Likely benign. Last evaluated: 2025-08-27. Review status: criteria provided, single submitter. Criteria: ACMG Guidelines, 2015. Collection method: clinical testing. Allele origin: germline. Observed: 6 variant alleles.

ARUP Laboratories, Molecular Genetics and Genomics, ARUP Laboratories
Classification: Likely benign for Hereditary spherocytosis type 5. Last evaluated: 2025-06-30. Review status: criteria provided, single submitter. Criteria: ARUP Molecular Germline Variant Investigation Process 2024. Collection method: clinical testing. Allele origin: germline.

Blueprint Genetics
Classification: Likely benign. Last evaluated: 2024-11-19. Review status: criteria provided, single submitter. Criteria: ACMG Guidelines, 2015. Collection method: clinical testing. Allele origin: germline.

CeGaT Center for Human Genetics Tuebingen
Classification: Likely benign. Last evaluated: 2023-01-01. Review status: criteria provided, single submitter. Criteria: CeGaT Center For Human Genetics Tuebingen Variant Classification Criteria Version 2. Collection method: clinical testing. Allele origin: germline. Affected: yes. Observed: 1 variant allele.
Comment: EPB42: BP4, BS2

Illumina Laboratory Services, Illumina
Classification: Uncertain significance for Hereditary spherocytosis type 5. Last evaluated: 2018-01-12. Review status: criteria provided, single submitter. Criteria: ICSL Variant Classification Criteria 13 December 2019. Collection method: clinical testing. Allele origin: germline.

PreventionGenetics, part of Exact Sciences
Classification: Likely benign. Review status: criteria provided, single submitter. Criteria: ACMG Guidelines, 2015. Collection method: clinical testing. Allele origin: germline.